The following is an entry in ClinVar:

ClinVar aggregate classification (germline): Uncertain significance (1 of 4 stars; one submission).

Allele frequency attached by ClinVar (database versions not stated): gnomAD 0.00001; TOPMed 0.00001; gnomAD exomes 0.00002.
gnomAD v4.1: 30 of 1,614,100 alleles (0.0019%); highest among the groups gnomAD compares: Non-Finnish European, 0.0024%; no homozygotes.

Submission:

Labcorp Genetics (formerly Invitae), Labcorp
Classification: Uncertain significance. Last evaluated: 2023-08-10. Review status: criteria provided, single submitter. Criteria: Invitae Variant Classification Sherloc (09022015). Collection method: clinical testing. Allele origin: germline.
Comment: This variant has not been reported in the literature in individuals affected with CEP250-related conditions. This variant is not present in population databases (gnomAD no frequency). This sequence change replaces arginine, which is basic and polar, with glutamine, which is neutral and polar, at codon 2154 of the CEP250 protein (p.Arg2154Gln). ClinVar contains an entry for this variant (Variation ID: 1041186). In summary, the available evidence is currently insufficient to determine the role of this variant in disease. Therefore, it has been classified as a Variant of Uncertain Significance. Algorithms developed to predict the effect of missense changes on protein structure and function output the following: SIFT: "Not Available"; PolyPhen-2: "Benign"; Align-GVGD: "Not Available". The glutamine amino acid residue is found in multiple mammalian species, which suggests that this missense change does not adversely affect protein function.

NM_007186.6(CEP250):c.6461G>A (p.Arg2154Gln)

Gene: CEP250 (centrosomal protein 250; plus strand). Cytogenetic location: 20q11.22.
Variant type: single nucleotide variant.
Coding change: c.6461G>A on transcript NM_007186.6 (MANE Select); coding-DNA position 6461, G replaced by A.
Protein change: p.Arg2154Gln; replaces arginine 2154 with glutamine.
Molecular consequence: missense variant.
Genome position (GRCh38, 1-based): chr20:35,504,830, G>A. VCF-style: chr20-35504830-G-A. GRCh37 (hg19) VCF-style: chr20-34092658-G-A.
Other names: c.4565G>A, p.Arg1522Gln (NM_001318219.1); short protein forms R1522Q, R2154Q.
Identifiers: ClinVar variation 1041186 (VCV001041186.7), dbSNP rs1478062497, ClinGen allele CA408757252.